The following is an entry in ClinVar:

ClinVar aggregate classification (germline): Uncertain significance (1 of 4 stars; one submission).

Conditions:
Charcot-Marie-Tooth disease axonal type 2O. Also called: CHARCOT-MARIE-TOOTH NEUROPATHY, AXONAL, TYPE 2O; CHARCOT-MARIE-TOOTH DISEASE, AXONAL, AUTOSOMAL DOMINANT, TYPE 2O; Charcot-Marie-Tooth Neuropathy Type 2O; Charcot-Marie-Tooth disease, axonal, type 20. Identifiers: Orphanet 284232, MedGen C3280220, MONDO:0013644, OMIM 614228.

Submission:

Labcorp Genetics (formerly Invitae), Labcorp
Classification: Uncertain significance for Charcot-Marie-Tooth disease axonal type 2O. Last evaluated: 2023-08-17. Review status: criteria provided, single submitter. Criteria: Invitae Variant Classification Sherloc (09022015). Collection method: clinical testing. Allele origin: germline.
Comment: This variant is not present in population databases (gnomAD no frequency). This sequence change replaces serine, which is neutral and polar, with arginine, which is basic and polar, at codon 3565 of the DYNC1H1 protein (p.Ser3565Arg). This variant has not been reported in the literature in individuals affected with DYNC1H1-related conditions. ClinVar contains an entry for this variant (Variation ID: 2420019). Advanced modeling of protein sequence and biophysical properties (such as structural, functional, and spatial information, amino acid conservation, physicochemical variation, residue mobility, and thermodynamic stability) performed at Invitae indicates that this missense variant is not expected to disrupt DYNC1H1 protein function. In summary, the available evidence is currently insufficient to determine the role of this variant in disease. Therefore, it has been classified as a Variant of Uncertain Significance.

NM_001376.5(DYNC1H1):c.10695C>G (p.Ser3565Arg)

Gene: DYNC1H1 (dynein cytoplasmic 1 heavy chain 1; plus strand). Cytogenetic location: 14q32.31.
Variant type: single nucleotide variant.
Coding change: c.10695C>G on transcript NM_001376.5 (MANE Select); coding-DNA position 10695, C replaced by G.
Protein change: p.Ser3565Arg; replaces serine 3565 with arginine.
Molecular consequence: missense variant.
Genome position (GRCh38, 1-based): chr14:102,034,393, C>G. VCF-style: chr14-102034393-C-G. GRCh37 (hg19) VCF-style: chr14-102500730-C-G.
Other names: short protein forms S3565R.
Identifiers: ClinVar variation 2420019 (VCV002420019.6), dbSNP rs2048546649, ClinGen allele CA391028254.